The following is an entry in ClinVar:

NM_001242896.3(DEPDC5):c.2354+48G>A

Gene: DEPDC5 (DEP domain containing 5, GATOR1 subcomplex subunit; plus strand). Cytogenetic location: 22q12.3.
Variant type: single nucleotide variant.
Coding change: c.2354+48G>A on transcript NM_001242896.3 (MANE Select); 48 bases into the intron after coding-DNA position 2354, G replaced by A.
Molecular consequence: intron variant.
Genome position (GRCh38, 1-based): chr22:31,837,203, G>A. VCF-style: chr22-31837203-G-A. GRCh37 (hg19) VCF-style: chr22-32233189-G-A.
Other names: c.2354+48G>A (NM_001364318.2, NM_001363852.2, NM_001364320.2); c.2327+48G>A (NM_001136029.4, NM_014662.6, NM_001369903.1); c.2120+48G>A (NM_001363854.2, NM_001242897.2, NM_001364319.2); c.2270+48G>A (NM_001369902.1, NM_001369901.1).
Identifiers: ClinVar variation 1251684 (VCV001251684.31), dbSNP rs199622220, ClinGen allele CA10196692.

ClinVar aggregate classification (germline): Benign/Likely benign. Review status: criteria provided, multiple submitters, no conflicts (2 of 4 stars). 3 submissions from 3 submitters: Benign (2); Likely benign (1). Last evaluated 2026-02-01.

Allele frequency attached by ClinVar (database versions not stated): 1000 Genomes Project 30x 0.00031; 1000 Genomes Project 0.00040; gnomAD 0.00045 and 0.00050; TOPMed 0.00050; ESP Exome Variant Server 0.00082; gnomAD exomes 0.00083; ExAC 0.00088.
gnomAD v4.1: 993 of 1,598,092 alleles (0.062%); highest among the groups gnomAD compares: Middle Eastern, 0.73%; 1 homozygote.

Submissions (3):

CeGaT Center for Human Genetics Tuebingen
Classification: Likely benign. Last evaluated: 2026-02-01. Review status: criteria provided, single submitter. Criteria: CeGaT Center For Human Genetics Tuebingen Variant Classification Criteria Version 2. Collection method: clinical testing. Allele origin: germline. Affected: yes. Observed: 12 variant alleles.
Comment: DEPDC5: BS2

GeneDx
Classification: Benign. Last evaluated: 2020-11-02. Review status: criteria provided, single submitter. Criteria: GeneDx Variant Classification Process June 2021. Collection method: clinical testing. Allele origin: germline. Affected: yes.

Breakthrough Genomics
Classification: Benign. Review status: criteria provided, single submitter. Criteria: ACMG Guidelines, 2015. Collection method: not provided. Allele origin: germline. Inheritance: Autosomal dominant inheritance. Affected: yes.